The following is an entry in ClinVar:

ClinVar aggregate classification (germline): Benign/Likely benign. Review status: criteria provided, multiple submitters, no conflicts (2 of 4 stars). 4 submissions from 4 submitters: Benign (1); Likely benign (3). Last evaluated 2025-11-25.

Conditions:
Short-rib thoracic dysplasia 10 with or without polydactyly (SRTD10). Identifiers: Orphanet 474, MedGen C3810175, MONDO:0014284, OMIM 615630.
Retinitis pigmentosa 71 (RP71). Identifiers: Orphanet 791, MedGen C4225342, MONDO:0014618, OMIM 616394.
Bardet-Biedl syndrome 20. Identifiers: MedGen C4310707, MONDO:0023670, OMIM 619471, MONDO:0014926.

Allele frequency attached by ClinVar (database versions not stated): gnomAD exomes 0.00008 and 0.00025; ExAC 0.00023; 1000 Genomes Project 30x 0.00047; 1000 Genomes Project 0.00060; ESP Exome Variant Server 0.00062; gnomAD 0.00094 and 0.00101; TOPMed 0.00096.
gnomAD v4.1: 256 of 1,614,090 alleles (0.016%); highest among the groups gnomAD compares: African/African-American, 0.32%; no homozygotes.

Submissions (4):

Labcorp Genetics (formerly Invitae), Labcorp
Classification: Benign for Retinitis pigmentosa 71; Short-rib thoracic dysplasia 10 with or without polydactyly. Last evaluated: 2025-11-25. Review status: criteria provided, single submitter. Criteria: Invitae Variant Classification Sherloc (09022015). Collection method: clinical testing. Allele origin: germline.

Blueprint Genetics
Classification: Likely benign. Last evaluated: 2024-08-28. Review status: criteria provided, single submitter. Criteria: ACMG Guidelines, 2015. Collection method: clinical testing. Allele origin: germline.

Fulgent Genetics
Classification: Likely benign for Short-rib thoracic dysplasia 10 with or without polydactyly; Retinitis pigmentosa 71; Bardet-Biedl syndrome 20. Last evaluated: 2021-09-13. Review status: criteria provided, single submitter. Criteria: ACMG Guidelines, 2015. Collection method: clinical testing. Allele origin: unknown.

GeneDx
Classification: Likely benign. Last evaluated: 2018-03-09. Review status: criteria provided, single submitter. Criteria: GeneDx Variant Classification (06012015). Collection method: clinical testing. Allele origin: germline. Affected: yes.
Comment: This variant is considered likely benign or benign based on one or more of the following criteria: it is a conservative change, it occurs at a poorly conserved position in the protein, it is predicted to be benign by multiple in silico algorithms, and/or has population frequency not consistent with disease.

NM_015662.3(IFT172):c.2443-19A>G

Gene: IFT172 (intraflagellar transport 172; minus strand). Cytogenetic location: 2p23.3.
Variant type: single nucleotide variant.
Coding change: c.2443-19A>G on transcript NM_015662.3 (MANE Select); 19 bases into the intron before coding-DNA position 2443, A replaced by G.
Molecular consequence: intron variant.
Genome position (GRCh38, 1-based): chr2:27,461,112, T>C on the plus strand (A>G on the coding strand, the complement: IFT172 is on the minus strand). VCF-style: chr2-27461112-T-C. GRCh37 (hg19) VCF-style: chr2-27683979-T-C.
Identifiers: ClinVar variation 515867 (VCV000515867.12), dbSNP rs199907803, ClinGen allele CA1580302.